The following is an entry in ClinVar:

NM_032801.5(JAM3):c.691G>A (p.Glu231Lys)

Gene: JAM3 (junctional adhesion molecule 3; plus strand). Cytogenetic location: 11q25.
Variant type: single nucleotide variant.
Coding change: c.691G>A on transcript NM_032801.5 (MANE Select); coding-DNA position 691, G replaced by A.
Protein change: p.Glu231Lys; replaces glutamic acid 231 with lysine.
Molecular consequence: missense variant.
Genome position (GRCh38, 1-based): chr11:134,146,024, G>A. VCF-style: chr11-134146024-G-A. GRCh37 (hg19) VCF-style: chr11-134015919-G-A.
Other names: c.538G>A, p.Glu180Lys (NM_001205329.2); short protein forms E231K, E180K.
Identifiers: ClinVar variation 1899531 (VCV001899531.5), dbSNP rs200823092, ClinGen allele CA6370140.

ClinVar aggregate classification (germline): Uncertain significance (1 of 4 stars; one submission).

Allele frequency attached by ClinVar (database versions not stated): gnomAD exomes 0.00001; ExAC 0.00004; TOPMed 0.00004; gnomAD 0.00005; ESP Exome Variant Server 0.00015; 1000 Genomes Project 30x 0.00109; 1000 Genomes Project 0.00120.
gnomAD v4.1: 17 of 1,613,624 alleles (0.0011%); highest among the groups gnomAD compares: African/African-American, 0.013%; no homozygotes.

Submission:

Labcorp Genetics (formerly Invitae), Labcorp
Classification: Uncertain significance. Last evaluated: 2022-05-27. Review status: criteria provided, single submitter. Criteria: Invitae Variant Classification Sherloc (09022015). Collection method: clinical testing. Allele origin: germline.
Comment: In summary, the available evidence is currently insufficient to determine the role of this variant in disease. Therefore, it has been classified as a Variant of Uncertain Significance. Algorithms developed to predict the effect of sequence changes on RNA splicing suggest that this variant may disrupt the consensus splice site. Algorithms developed to predict the effect of missense changes on protein structure and function (SIFT, PolyPhen-2, Align-GVGD) all suggest that this variant is likely to be tolerated. This variant has not been reported in the literature in individuals affected with JAM3-related conditions. This variant is present in population databases (rs200823092, gnomAD 0.03%). This sequence change replaces glutamic acid, which is acidic and polar, with lysine, which is basic and polar, at codon 231 of the JAM3 protein (p.Glu231Lys).